The following is an entry in ClinVar:

NM_005431.2(XRCC2):c.430T>C (p.Cys144Arg)

Gene: XRCC2 (X-ray repair cross complementing 2; minus strand). Cytogenetic location: 7q36.1.
Variant type: single nucleotide variant.
Coding change: c.430T>C on transcript NM_005431.2 (MANE Select); coding-DNA position 430, T replaced by C.
Protein change: p.Cys144Arg; replaces cysteine 144 with arginine.
Molecular consequence: missense variant.
Genome position (GRCh38, 1-based): chr7:152,649,055, A>G on the plus strand (T>C on the coding strand, the complement: XRCC2 is on the minus strand). VCF-style: chr7-152649055-A-G. GRCh37 (hg19) VCF-style: chr7-152346140-A-G.
Other names: short protein forms C144R.
Identifiers: ClinVar variation 4866836 (VCV004866836.1).

ClinVar aggregate classification (germline): Uncertain significance (1 of 4 stars; one submission).

Conditions:
Hereditary cancer-predisposing syndrome. Also called: Neoplastic Syndromes, Hereditary; Tumor predisposition; Hereditary Cancer Syndrome; Hereditary neoplastic syndrome. Identifiers: Orphanet 140162, MedGen C0027672, MeSH D009386, MONDO:0015356.

Submission:

Ambry Genetics
Classification: Uncertain significance for Hereditary cancer-predisposing syndrome. Last evaluated: 2026-04-18. Review status: criteria provided, single submitter. Criteria: Ambry Variant Classification Scheme 2023. Collection method: clinical testing. Allele origin: germline.
Comment: The p.C144R variant (also known as c.430T>C), located in coding exon 3 of the XRCC2 gene, results from a T to C substitution at nucleotide position 430. The cysteine at codon 144 is replaced by arginine, an amino acid with highly dissimilar properties. This amino acid position is conserved. In addition, this alteration is predicted to be tolerated by in silico analysis. Based on the available evidence, the clinical significance of this variant remains unclear.